The following is an entry in ClinVar:

NM_015295.3(SMCHD1):c.47C>G (p.Thr16Ser)

Gene: SMCHD1 (structural maintenance of chromosomes flexible hinge domain containing 1; plus strand). Cytogenetic location: 18p11.32.
Variant type: single nucleotide variant.
Coding change: c.47C>G on transcript NM_015295.3 (MANE Select); coding-DNA position 47, C replaced by G.
Protein change: p.Thr16Ser; replaces threonine 16 with serine.
Molecular consequence: missense variant.
Genome position (GRCh38, 1-based): chr18:2,656,122, C>G. VCF-style: chr18-2656122-C-G. GRCh37 (hg19) VCF-style: chr18-2656121-C-G.
Other names: NC_000018.9:g.2656121C>G; short protein forms T16S.
Identifiers: ClinVar variation 2481908 (VCV002481908.5), dbSNP rs146441077, ClinGen allele CA8870447.

ClinVar aggregate classification (germline): Uncertain significance. Review status: criteria provided, multiple submitters, no conflicts (2 of 4 stars). 2 submissions from 2 submitters: Uncertain significance (2). Last evaluated 2025-05-26.

Conditions:
Inborn genetic diseases. Identifiers: MedGen C0950123, MeSH D030342.
Facioscapulohumeral muscular dystrophy 2 (FSHD2). Also called: MUSCULAR DYSTROPHY, FACIOSCAPULOHUMERAL, TYPE 1B; FACIOSCAPULOHUMERAL MUSCULAR DYSTROPHY 2, DIGENIC; FSHD2, DIGENIC. Identifiers: Orphanet 269, MedGen C1834671, MONDO:0008031, OMIM 158901.

Allele frequency attached by ClinVar (database versions not stated): gnomAD 0.00005; ExAC 0.00009; 1000 Genomes Project 0.00020; 1000 Genomes Project 30x 0.00031.
gnomAD v4.1: 70 of 1,478,970 alleles (0.0047%); highest among the groups gnomAD compares: East Asian, 0.025%; no homozygotes.

Submissions (3):

Ambry Genetics
Classification: Uncertain significance for Inborn genetic diseases. Last evaluated: 2025-05-26. Review status: criteria provided, single submitter. Criteria: Ambry Variant Classification Scheme 2023. Collection method: clinical testing. Allele origin: germline.

Labcorp Genetics (formerly Invitae), Labcorp
Classification: Uncertain significance for Facioscapulohumeral muscular dystrophy 2. Last evaluated: 2025-03-13. Review status: criteria provided, single submitter. Criteria: Invitae Variant Classification Sherloc (09022015). Collection method: clinical testing. Allele origin: germline.
Comment: This sequence change replaces threonine, which is neutral and polar, with serine, which is neutral and polar, at codon 16 of the SMCHD1 protein (p.Thr16Ser). The frequency data for this variant in the population databases is considered unreliable, as metrics indicate poor data quality at this position in the gnomAD database. This variant has not been reported in the literature in individuals affected with SMCHD1-related conditions. ClinVar contains an entry for this variant (Variation ID: 2481908). An algorithm developed to predict the effect of missense changes on protein structure and function outputs the following: PolyPhen-2: "Benign". The serine amino acid residue is found in multiple mammalian species, which suggests that this missense change does not adversely affect protein function. In summary, the available evidence is currently insufficient to determine the role of this variant in disease. Therefore, it has been classified as a Variant of Uncertain Significance.

Dr. Peter K. Rogan Lab, Western University
No classification provided (evidence only). Condition: Clear cell carcinoma of kidney. Review status: no classification provided. Collection method: in vitro. Allele origin: not applicable. Functional consequence: retained intron. Not counted in ClinVar's aggregate classification.